The following is an entry in ClinVar:

ClinVar aggregate classification (germline): Likely benign. Review status: criteria provided, multiple submitters, no conflicts (2 of 4 stars). 3 submissions from 3 submitters: Likely benign (2). 1 of the submissions does not count toward it. Last evaluated 2025-07-28.

Conditions:
LBR-related disorder. Also called: LBR-related condition; LBR-related disorders.

Allele frequency attached by ClinVar (database versions not stated): gnomAD 0.00001 and 0.00003; TOPMed 0.00004; 1000 Genomes Project 30x 0.00016; 1000 Genomes Project 0.00020; ExAC 0.00020.
gnomAD v4.1: 110 of 1,612,736 alleles (0.0068%); highest among the groups gnomAD compares: South Asian, 0.088%; 1 homozygote.

Submissions (3):

Labcorp Genetics (formerly Invitae), Labcorp
Classification: Likely benign. Last evaluated: 2025-07-28. Review status: criteria provided, single submitter. Criteria: Invitae Variant Classification Sherloc (09022015). Collection method: clinical testing. Allele origin: germline.

Blueprint Genetics
Classification: Likely benign. Last evaluated: 2024-01-09. Review status: criteria provided, single submitter. Criteria: ACMG Guidelines, 2015. Collection method: clinical testing. Allele origin: germline.

PreventionGenetics, part of Exact Sciences
Classification: Likely benign for LBR-related condition. Last evaluated: 2023-04-19. Review status: no assertion criteria provided. Collection method: clinical testing. Allele origin: germline. Not counted in ClinVar's aggregate classification.
Comment: This variant is classified as likely benign based on ACMG/AMP sequence variant interpretation guidelines (Richards et al. 2015 PMID: 25741868, with internal and published modifications).

NM_002296.4(LBR):c.949G>A (p.Val317Ile)

Gene: LBR (lamin B receptor; minus strand). Cytogenetic location: 1q42.12.
Variant type: single nucleotide variant.
Coding change: c.949G>A on transcript NM_002296.4 (MANE Select); coding-DNA position 949, G replaced by A.
Protein change: p.Val317Ile; replaces valine 317 with isoleucine.
Molecular consequence: missense variant.
Genome position (GRCh38, 1-based): chr1:225,412,589, C>T on the plus strand (G>A on the coding strand, the complement: LBR is on the minus strand). VCF-style: chr1-225412589-C-T. GRCh37 (hg19) VCF-style: chr1-225600291-C-T.
Other names: c.949G>A, p.Val317Ile (NM_194442.3); c.949G>A (NM_002296.3); short protein forms V317I.
Identifiers: ClinVar variation 1093542 (VCV001093542.12), dbSNP rs532068854, ClinGen allele CA1417279.